The following is an entry in ClinVar:

ClinVar aggregate classification (germline): Uncertain significance. Review status: criteria provided, multiple submitters, no conflicts (2 of 4 stars). 2 submissions from 2 submitters: Uncertain significance (2). Last evaluated 2026-03-31.

Conditions:
CEP290-related disorder. Also called: CEP290-related disorders; CEP290-related condition. Identifiers: MedGen CN239314.
Inborn genetic diseases. Identifiers: MedGen C0950123, MeSH D030342.

gnomAD v4.1: 1 of 1,314,946 alleles (0.000076%); highest among the groups gnomAD compares: South Asian, 0.0022%; no homozygotes.

Submissions (2):

PreventionGenetics, part of Exact Sciences
Classification: Uncertain significance for CEP290-related condition. Last evaluated: 2026-03-31. Review status: criteria provided, single submitter. Criteria: ACMG Guidelines, 2015. Collection method: clinical testing. Allele origin: germline.
Comment: The CEP290 c.1103C>A variant is predicted to result in the amino acid substitution p.Thr368Asn. To our knowledge, this variant has not been reported in the literature or in a large population database (gnomAD), indicating this variant is rare. At this time, the clinical significance of this variant is uncertain due to the absence of conclusive functional and genetic evidence.

Ambry Genetics
Classification: Uncertain significance for Inborn genetic diseases. Last evaluated: 2022-12-28. Review status: criteria provided, single submitter. Criteria: Ambry Variant Classification Scheme 2023. Collection method: clinical testing. Allele origin: germline.

NM_025114.4(CEP290):c.1103C>A (p.Thr368Asn)

Gene: CEP290 (centrosomal protein 290; minus strand). Cytogenetic location: 12q21.32.
Variant type: single nucleotide variant.
Coding change: c.1103C>A on transcript NM_025114.4 (MANE Select); coding-DNA position 1103, C replaced by A.
Protein change: p.Thr368Asn; replaces threonine 368 with asparagine.
Molecular consequence: missense variant.
Genome position (GRCh38, 1-based): chr12:88,125,332, G>T on the plus strand (C>A on the coding strand, the complement: CEP290 is on the minus strand). VCF-style: chr12-88125332-G-T. GRCh37 (hg19) VCF-style: chr12-88519109-G-T.
Other names: short protein forms T368N.
Identifiers: ClinVar variation 2340128 (VCV002340128.3), dbSNP rs886648506, ClinGen allele CA385981421.